The following is an entry in ClinVar:

ClinVar aggregate classification (germline): Uncertain significance. Review status: criteria provided, multiple submitters, no conflicts (2 of 4 stars). 2 submissions from 2 submitters: Uncertain significance (2). Last evaluated 2025-06-18.

Conditions:
Predisposition to Wilms tumor.

gnomAD v4.1: 159 of 1,610,348 alleles (0.0099%); highest among the groups gnomAD compares: African/African-American, 0.16%; 1 homozygote.

Submissions (2):

Labcorp Genetics (formerly Invitae), Labcorp
Classification: Uncertain significance. Last evaluated: 2025-06-18. Review status: criteria provided, single submitter. Criteria: Invitae Variant Classification Sherloc (09022015). Collection method: clinical testing. Allele origin: germline.
Comment: This sequence change replaces valine, which is neutral and non-polar, with alanine, which is neutral and non-polar, at codon 653 of the NYNRIN protein (p.Val653Ala). This variant is present in population databases (rs147608016, gnomAD 0.2%), and has an allele count higher than expected for a pathogenic variant. This variant has not been reported in the literature in individuals affected with NYNRIN-related conditions. ClinVar contains an entry for this variant (Variation ID: 3668059). Experimental studies and prediction algorithms are not available or were not evaluated, and the functional significance of this variant is currently unknown. In summary, the available evidence is currently insufficient to determine the role of this variant in disease. Therefore, it has been classified as a Variant of Uncertain Significance.

St. Jude Molecular Pathology, St. Jude Children's Research Hospital
Classification: Uncertain significance for Predisposition to Wilms tumor. Last evaluated: 2025-06-17. Review status: criteria provided, single submitter. Criteria: St. Jude Assertion Criteria 2020. Collection method: clinical testing. Allele origin: germline.
Comment: The NYNRIN c.1958T>C p.(Val653Ala) missense change has a maximum subpopulation frequency of 0.14% in gnomAD v2.1.1. The in silico tool REVEL predicts a benign effect on protein function, but to our knowledge this prediction has not been confirmed by functional studies. To our knowledge, this variant has not been reported in individuals with Wilms tumor. In summary, the evidence currently available is insufficient to determine the clinical significance of this variant. It has therefore been classified as of uncertain significance.

NM_025081.3(NYNRIN):c.1958T>C (p.Val653Ala)

Gene: NYNRIN (NYN domain and retroviral integrase containing; plus strand). Cytogenetic location: 14q12.
Variant type: single nucleotide variant.
Coding change: c.1958T>C on transcript NM_025081.3 (MANE Select); coding-DNA position 1958, T replaced by C.
Protein change: p.Val653Ala; replaces valine 653 with alanine.
Molecular consequence: missense variant.
Genome position (GRCh38, 1-based): chr14:24,409,752, T>C. VCF-style: chr14-24409752-T-C. GRCh37 (hg19) VCF-style: chr14-24878958-T-C.
Other names: short protein forms V653A.
Identifiers: ClinVar variation 3668059 (VCV003668059.4).